The following is an entry in ClinVar:

NM_001037.5(SCN1B):c.347C>T (p.Ser116Leu)

Gene: SCN1B (sodium voltage-gated channel beta subunit 1; plus strand). Cytogenetic location: 19q13.11.
Variant type: single nucleotide variant.
Coding change: c.347C>T on transcript NM_001037.5 (MANE Select); coding-DNA position 347, C replaced by T.
Protein change: p.Ser116Leu; replaces serine 116 with leucine.
Molecular consequence: missense variant.
Genome position (GRCh38, 1-based): chr19:35,033,638, C>T. VCF-style: chr19-35033638-C-T. GRCh37 (hg19) VCF-style: chr19-35524542-C-T.
Other names: c.248C>T, p.Ser83Leu (NM_001321605.2); c.347C>T, p.Ser116Leu (NM_199037.5); short protein forms S116L, S83L.
Identifiers: ClinVar variation 619998 (VCV000619998.18), dbSNP rs1555720743, ClinGen allele CA405328837.
Genomic context (GRCh38, chr19:35,033,638, plus strand): 5'-GGGGCACCAAAGACCTGCAGGATCTGTCTATCTTCATCACCAATGTCACCTACAACCACT[C>T]GGGCGACTACGAGTGCCACGTCTACCGCCTGCTCTTCTTCGAAAACTACGAGCACAACAC-3'
Protein context (NP_001028.1, residues 106-126): IFITNVTYNH[Ser116Leu]GDYECHVYRL

ClinVar aggregate classification (germline): Uncertain significance. Review status: criteria provided, multiple submitters, no conflicts (2 of 4 stars). 8 submissions from 8 submitters: Uncertain significance (8). Last evaluated 2025-01-29.

Conditions:
Brugada syndrome 5 (BRGDA5). Identifiers: Orphanet 130, Orphanet 871, MedGen C2748541, MONDO:0013015, OMIM 612838.
Atrial fibrillation, familial, 13 (ATFB13). Identifiers: MedGen C3809311, MONDO:0014155, OMIM 615377.
Generalized epilepsy with febrile seizures plus, type 1 (GEFSP1). Also called: GEFS+, TYPE 1. Identifiers: Orphanet 36387, MedGen C1858672, MONDO:0011416, OMIM 604233.
Developmental and epileptic encephalopathy, 52 (DEE52). Also called: Epileptic encephalopathy, early infantile, 52. Identifiers: MedGen C4479236, MONDO:0033361, OMIM 617350.
Cardiovascular phenotype. Identifiers: MedGen CN230736.

Allele frequency attached by ClinVar (database versions not stated): TOPMed 0.00001.
gnomAD v4.1: 3 of 1,614,202 alleles (0.00019%); highest among the groups gnomAD compares: East Asian, 0.0022%; no homozygotes.

Submissions (8):

GeneDx
Classification: Uncertain significance. Last evaluated: 2025-01-29. Review status: criteria provided, single submitter. Criteria: GeneDx Variant Classification Process June 2021. Collection method: clinical testing. Allele origin: germline.
Comment: Not observed at significant frequency in large population cohorts (gnomAD); In silico analysis supports that this missense variant has a deleterious effect on protein structure/function; Has not been previously published as pathogenic or benign to our knowledge

Labcorp Genetics (formerly Invitae), Labcorp
Classification: Uncertain significance for Brugada syndrome 5. Last evaluated: 2024-04-24. Review status: criteria provided, single submitter. Criteria: Invitae Variant Classification Sherloc (09022015). Collection method: clinical testing. Allele origin: germline.
Comment: This sequence change replaces serine, which is neutral and polar, with leucine, which is neutral and non-polar, at codon 116 of the SCN1B protein (p.Ser116Leu). This variant is not present in population databases (gnomAD no frequency). This missense change has been observed in individual(s) with clinical features of SCN1B-related conditions (Invitae). ClinVar contains an entry for this variant (Variation ID: 619998). An algorithm developed to predict the effect of missense changes on protein structure and function (PolyPhen-2) suggests that this variant is likely to be disruptive. In summary, the available evidence is currently insufficient to determine the role of this variant in disease. Therefore, it has been classified as a Variant of Uncertain Significance.

Ambry Genetics
Classification: Uncertain significance for Cardiovascular phenotype. Last evaluated: 2023-03-06. Review status: criteria provided, single submitter. Criteria: Ambry Variant Classification Scheme 2023. Collection method: clinical testing. Allele origin: germline.

3billion
Classification: Uncertain significance for Developmental and epileptic encephalopathy, 52. Last evaluated: 2022-05-22. Review status: criteria provided, single submitter. Criteria: ACMG Guidelines, 2015. Collection method: clinical testing. Allele origin: germline. Affected: yes. Observed: 1 homozygote.
Comment: The variant is not observed in the gnomAD v2.1.1 dataset. Therefore, this variant is classified as uncertain significanceaccording to the recommendation of ACMG/AMP guideline.

MVZ Martinsried, Medicover Genetics
Classification: Uncertain significance for Generalized epilepsy with febrile seizures plus, type 1. Last evaluated: 2022-02-10. Review status: criteria provided, single submitter. Criteria: ACGS Guidelines, 2020. Collection method: clinical testing. Allele origin: inherited. Affected: yes.

Fulgent Genetics
Classification: Uncertain significance for Generalized epilepsy with febrile seizures plus, type 1; Brugada syndrome 5; Atrial fibrillation, familial, 13; Developmental and epileptic encephalopathy, 52. Last evaluated: 2021-10-12. Review status: criteria provided, single submitter. Criteria: ACMG Guidelines, 2015. Collection method: clinical testing. Allele origin: unknown.

Blueprint Genetics
Classification: Uncertain significance. Last evaluated: 2021-09-02. Review status: criteria provided, single submitter. Criteria: ACMG Guidelines, 2015. Collection method: clinical testing. Allele origin: germline.

Cytogénomique, Hospices Civils de Lyon
Classification: Uncertain significance for Atrial fibrillation, familial, 13; Brugada syndrome 5; Generalized epilepsy with febrile seizures plus, type 1; Developmental and epileptic encephalopathy, 52. Review status: criteria provided, single submitter. Criteria: ACMG Guidelines, 2015. Collection method: clinical testing. Allele origin: paternal. Inheritance: Autosomal dominant inheritance. Affected: yes.